The following is an entry in ClinVar:

NM_020779.4(WDR35):c.2964+12C>T

Gene: WDR35 (WD repeat domain 35; minus strand). Cytogenetic location: 2p24.1.
Variant type: single nucleotide variant.
Coding change: c.2964+12C>T on transcript NM_020779.4 (MANE Select); 12 bases into the intron after coding-DNA position 2964, C replaced by T.
Molecular consequence: intron variant.
Genome position (GRCh38, 1-based): chr2:19,931,257, G>A on the plus strand (C>T on the coding strand, the complement: WDR35 is on the minus strand). VCF-style: chr2-19931257-G-A. GRCh37 (hg19) VCF-style: chr2-20131018-G-A.
Other names: c.2997+12C>T (NM_001006657.2).
Identifiers: ClinVar variation 896446 (VCV000896446.11), dbSNP rs113663112, ClinGen allele CA1542796.

ClinVar aggregate classification (germline): Benign/Likely benign. Review status: criteria provided, multiple submitters, no conflicts (2 of 4 stars). 3 submissions from 2 submitters: Benign (1); Likely benign (2). Last evaluated 2025-11-29.

Conditions:
Cranioectodermal dysplasia 2 (CED2). Identifiers: Orphanet 1515, MedGen C3150874, MONDO:0013323, OMIM 613610.
Short-rib thoracic dysplasia 7 with or without polydactyly (SRTD7). Also called: Short rib polydactyly syndrome 5; SHORT-RIB THORACIC DYSPLASIA 7 WITH POLYDACTYLY. Identifiers: Orphanet 498497, Orphanet 93271, MedGen C3279792, MONDO:0013569, OMIM 614091.

Allele frequency attached by ClinVar (database versions not stated): gnomAD exomes 0.00054; ExAC 0.00074; 1000 Genomes Project 0.00160; 1000 Genomes Project 30x 0.00187; gnomAD 0.00234 and 0.00252; TOPMed 0.00277; ESP Exome Variant Server 0.00308.
gnomAD v4.1: 643 of 1,606,392 alleles (0.04%); highest among the groups gnomAD compares: African/African-American, 0.78%; no homozygotes.

Submissions (3):

Labcorp Genetics (formerly Invitae), Labcorp
Classification: Benign for Cranioectodermal dysplasia 2; Short-rib thoracic dysplasia 7 with or without polydactyly. Last evaluated: 2025-11-29. Review status: criteria provided, single submitter. Criteria: Invitae Variant Classification Sherloc (09022015). Collection method: clinical testing. Allele origin: germline.

Illumina Laboratory Services, Illumina
Classification: Likely benign for Short-rib thoracic dysplasia 7 with or without polydactyly. Last evaluated: 2018-01-12. Review status: criteria provided, single submitter. Criteria: ICSL Variant Classification Criteria 13 December 2019. Collection method: clinical testing. Allele origin: germline.
Comment: This variant was observed in the ICSL laboratory as part of a predisposition screen in an ostensibly healthy population. It had not been previously curated by ICSL or reported in the Human Gene Mutation Database (HGMD: prior to June 1st, 2018), and was therefore a candidate for classification through an automated scoring system. Utilizing variant allele frequency, disease prevalence and penetrance estimates, and inheritance mode, an automated score was calculated to assess if this variant is too frequent to cause the disease. Based on the score and internal cut-off values, a variant classified as likely benign is not then subjected to further curation. The score for this variant resulted in a classification of likely benign for this disease.

Illumina Laboratory Services, Illumina
Classification: Likely benign for Cranioectodermal dysplasia 2. Last evaluated: 2018-01-12. Review status: criteria provided, single submitter. Criteria: ICSL Variant Classification Criteria 13 December 2019. Collection method: clinical testing. Allele origin: germline.
Comment: the same text as in the submission from Illumina Laboratory Services, Illumina above.